The following is an entry in ClinVar:

ClinVar aggregate classification (germline): Conflicting classifications of pathogenicity. Review status: criteria provided, conflicting classifications (1 of 4 stars). 2 submissions from 2 submitters: Uncertain significance (1); Likely benign (1). Last evaluated 2024-02-01.

Allele frequency attached by ClinVar (database versions not stated): gnomAD 0.00002 and 0.00003; TOPMed 0.00002; ESP Exome Variant Server 0.00008.
gnomAD v4.1: 28 of 1,613,422 alleles (0.0017%); highest among the groups gnomAD compares: Middle Eastern, 0.016%; no homozygotes.

Submissions (2):

CeGaT Center for Human Genetics Tuebingen
Classification: Likely benign. Last evaluated: 2024-02-01. Review status: criteria provided, single submitter. Criteria: CeGaT Center For Human Genetics Tuebingen Variant Classification Criteria Version 2. Collection method: clinical testing. Allele origin: germline. Affected: yes. Observed: 1 variant allele.
Comment: LAMC3: BP4

Labcorp Genetics (formerly Invitae), Labcorp
Classification: Uncertain significance. Last evaluated: 2022-03-14. Review status: criteria provided, single submitter. Criteria: Invitae Variant Classification Sherloc (09022015). Collection method: clinical testing. Allele origin: germline.
Comment: This sequence change replaces arginine, which is basic and polar, with glutamine, which is neutral and polar, at codon 377 of the LAMC3 protein (p.Arg377Gln). This variant is present in population databases (rs375139277, gnomAD 0.008%). This variant has not been reported in the literature in individuals affected with LAMC3-related conditions. Algorithms developed to predict the effect of missense changes on protein structure and function output the following: SIFT: "Tolerated"; PolyPhen-2: "Benign"; Align-GVGD: "Class C0". The glutamine amino acid residue is found in multiple mammalian species, which suggests that this missense change does not adversely affect protein function. Algorithms developed to predict the effect of sequence changes on RNA splicing suggest that this variant may create or strengthen a splice site. In summary, the available evidence is currently insufficient to determine the role of this variant in disease. Therefore, it has been classified as a Variant of Uncertain Significance.

NM_006059.4(LAMC3):c.1130G>A (p.Arg377Gln)

Gene: LAMC3 (laminin subunit gamma 3; plus strand). Cytogenetic location: 9q34.12.
Variant type: single nucleotide variant.
Coding change: c.1130G>A on transcript NM_006059.4 (MANE Select); coding-DNA position 1130, G replaced by A.
Protein change: p.Arg377Gln; replaces arginine 377 with glutamine.
Molecular consequence: missense variant.
Genome position (GRCh38, 1-based): chr9:131,039,017, G>A. VCF-style: chr9-131039017-G-A. GRCh37 (hg19) VCF-style: chr9-133914404-G-A.
Other names: short protein forms R377Q.
Identifiers: ClinVar variation 1421208 (VCV001421208.27), dbSNP rs375139277, ClinGen allele CA5286951.
Genomic context (GRCh38, chr9:131,039,017, plus strand): 5'-ACCACACAGCTGGGCCACACTGTGAGCGCTGTCAGGAGAATTTCTATCACTGGGACCCGC[G>A]GATGCCATGCCAGCCCTGTGACTGCCAGTCGGCAGGTGAGTGGACTCCACATCCCCAGCC-3'
Protein context (NP_006050.3, residues 367-387): CQENFYHWDP[Arg377Gln]MPCQPCDCQS